The following is an entry in ClinVar:

NM_001379610.1(SPINK1):c.*64del

Gene: SPINK1 (serine peptidase inhibitor Kazal type 1; minus strand). Cytogenetic location: 5q32.
Variant type: Deletion.
Coding change: c.*64del on transcript NM_001379610.1 (MANE Select); 64 bases downstream of the stop codon, one base deleted (A; older notation c.*64delA).
Molecular consequence: 3 prime UTR variant.
Genome position (GRCh38, 1-based): chr5:147,824,597, T deleted on the plus strand (A on the coding strand, the reverse complement: SPINK1 is on the minus strand); the first of 3 consecutive T bases (chr5:147,824,597-147,824,599); deleting any one gives the same sequence. VCF-style (leftmost placement, unchanged base first): chr5-147824596-AT-A. GRCh37 (hg19) VCF-style: chr5-147204159-AT-A.
Other names: c.*64del (NM_001354966.2, NM_003122.5).
Identifiers: ClinVar variation 2581197 (VCV002581197.1), dbSNP rs2480191790, ClinGen allele CA2582341654.

ClinVar aggregate classification (germline): Uncertain significance (1 of 4 stars; one submission).

Submission:

Women's Health and Genetics/Laboratory Corporation of America, LabCorp
Classification: Uncertain significance. Last evaluated: 2023-08-18. Review status: criteria provided, single submitter. Criteria: LabCorp Variant Classification Summary - May 2015. Collection method: clinical testing. Allele origin: germline.
Comment: Variant summary: SPINK1 c.*64delA is located in the untranslated mRNA region downstream of the termination codon. The variant was absent in 250102 control chromosomes. The available data on variant occurrences in the general population are insufficient to allow any conclusion about variant significance. To our knowledge, no occurrence of c.*64delA in individuals affected with Chronic Pancreatitis Risk and no experimental evidence demonstrating its impact on protein function have been reported. No submitters have cited clinical-significance assessments for this variant to ClinVar after 2014. Based on the evidence outlined above, the variant was classified as uncertain significance.